The following is an entry in ClinVar:

ClinVar aggregate classification (germline): Likely benign (1 of 4 stars; one submission).

Conditions:
NAFLD1 (FLD1). Also called: FATTY LIVER DISEASE, SUSCEPTIBILITY TO, 1; Fatty liver disease, nonalcoholic 1. Identifiers: MedGen C2750440, MONDO:0021105, OMIM 613282.

Allele frequency attached by ClinVar (database versions not stated): TOPMed 0.00001; gnomAD exomes 0.00038 and 0.00070; 1000 Genomes Project 30x 0.00344; 1000 Genomes Project 0.00359.
gnomAD v4.1: 589 of 1,614,270 alleles (0.036%); highest among the groups gnomAD compares: South Asian, 0.62%; 6 homozygotes.

Submission:

Illumina Laboratory Services, Illumina
Classification: Likely benign for NAFLD1. Last evaluated: 2018-01-13. Review status: criteria provided, single submitter. Criteria: ICSL Variant Classification Criteria 13 December 2019. Collection method: clinical testing. Allele origin: germline.
Comment: This variant was observed in the ICSL laboratory as part of a predisposition screen in an ostensibly healthy population. It had not been previously curated by ICSL or reported in the Human Gene Mutation Database (HGMD: prior to June 1st, 2018), and was therefore a candidate for classification through an automated scoring system. Utilizing variant allele frequency, disease prevalence and penetrance estimates, and inheritance mode, an automated score was calculated to assess if this variant is too frequent to cause the disease. Based on the score and internal cut-off values, a variant classified as likely benign is not then subjected to further curation. The score for this variant resulted in a classification of likely benign for this disease.

NM_025225.3(PNPLA3):c.249C>T (p.Ile83=)

Gene: PNPLA3 (patatin like domain 3, 1-acylglycerol-3-phosphate O-acyltransferase; plus strand). Cytogenetic location: 22q13.31.
Variant type: single nucleotide variant.
Coding change: c.249C>T on transcript NM_025225.3 (MANE Select); coding-DNA position 249, C replaced by T.
Protein change: p.Ile83=; no amino-acid change (isoleucine 83 retained).
Molecular consequence: synonymous variant.
Genome position (GRCh38, 1-based): chr22:43,926,996, C>T. VCF-style: chr22-43926996-C-T. GRCh37 (hg19) VCF-style: chr22-44322876-C-T.
Identifiers: ClinVar variation 902370 (VCV000902370.4), dbSNP rs370909367, ClinGen allele CA10277858.